The following is an entry in ClinVar:

NM_022114.4(PRDM16):c.176A>G (p.Asp59Gly)

Gene: PRDM16 (PR/SET domain 16; plus strand). Cytogenetic location: 1p36.32.
Variant type: single nucleotide variant.
Coding change: c.176A>G on transcript NM_022114.4 (MANE Select); coding-DNA position 176, A replaced by G.
Protein change: p.Asp59Gly; replaces aspartic acid 59 with glycine.
Molecular consequence: missense variant.
Genome position (GRCh38, 1-based): chr1:3,186,263, A>G. VCF-style: chr1-3186263-A-G. GRCh37 (hg19) VCF-style: chr1-3102827-A-G.
Other names: c.176A>G, p.Asp59Gly (NM_199454.3); short protein forms D59G.
Identifiers: ClinVar variation 1309846 (VCV001309846.2), dbSNP rs1644266195, ClinGen allele CA338215542.

ClinVar aggregate classification (germline): Uncertain significance (1 of 4 stars; one submission).

Allele frequency attached by ClinVar (database versions not stated): TOPMed below 0.00001.

Submission:

GeneDx
Classification: Uncertain significance. Last evaluated: 2019-10-30. Review status: criteria provided, single submitter. Criteria: GeneDx Variant Classification Process June 2021. Collection method: clinical testing. Allele origin: germline. Affected: yes.
Comment: Has not been previously published as pathogenic or benign to our knowledge; Not observed in large population cohorts (Lek et al., 2016); In silico analysis, which includes protein predictors and evolutionary conservation, supports that this variant does not alter protein structure/function